The following is an entry in ClinVar:

NM_000440.3(PDE6A):c.2052C>T (p.Ile684=)

Gene: PDE6A (phosphodiesterase 6A; minus strand). Cytogenetic location: 5q32.
Variant type: single nucleotide variant.
Coding change: c.2052C>T on transcript NM_000440.3 (MANE Select); coding-DNA position 2052, C replaced by T.
Protein change: p.Ile684=; no amino-acid change (isoleucine 684 retained).
Molecular consequence: synonymous variant.
Genome position (GRCh38, 1-based): chr5:149,883,512, G>A on the plus strand (C>T on the coding strand, the complement: PDE6A is on the minus strand). VCF-style: chr5-149883512-G-A. GRCh37 (hg19) VCF-style: chr5-149263075-G-A.
Other names: c.2052C>T (NM_000440.2).
Identifiers: ClinVar variation 1102049 (VCV001102049.11), dbSNP rs772049478, ClinGen allele CA3504417.

ClinVar aggregate classification (germline): Likely benign. Review status: criteria provided, multiple submitters, no conflicts (2 of 4 stars). 3 submissions from 3 submitters: Likely benign (3). Last evaluated 2026-01-17.

Conditions:
PDE6A-related disorder. Also called: PDE6A-related condition.

Allele frequency attached by ClinVar (database versions not stated): ExAC 0.00003; gnomAD 0.00004 and 0.00005; gnomAD exomes 0.00006; TOPMed 0.00011.
gnomAD v4.1: 41 of 1,612,684 alleles (0.0025%); highest among the groups gnomAD compares: Admixed American, 0.02%; 1 homozygote.

Submissions (3):

Labcorp Genetics (formerly Invitae), Labcorp
Classification: Likely benign. Last evaluated: 2026-01-17. Review status: criteria provided, single submitter. Criteria: Invitae Variant Classification Sherloc (09022015). Collection method: clinical testing. Allele origin: germline.

PreventionGenetics, part of Exact Sciences
Classification: Likely benign for PDE6A-related condition. Last evaluated: 2025-06-10. Review status: criteria provided, single submitter. Criteria: ACMG Guidelines, 2015. Collection method: clinical testing. Allele origin: germline.
Comment: This variant is classified as likely benign based on ACMG/AMP sequence variant interpretation guidelines (Richards et al. 2015 PMID: 25741868, with internal and published modifications).

Blueprint Genetics
Classification: Likely benign. Last evaluated: 2022-09-21. Review status: criteria provided, single submitter. Criteria: ACMG Guidelines, 2015. Collection method: clinical testing. Allele origin: germline.